The following is an entry in ClinVar:

ClinVar aggregate classification (germline): Pathogenic (1 of 4 stars; one submission).

Submission:

GeneDx
Classification: Pathogenic. Last evaluated: 2024-06-13. Review status: criteria provided, single submitter. Criteria: GeneDx Variant Classification Process June 2021. Collection method: clinical testing. Allele origin: germline. Affected: yes.
Comment: Nonsense variant predicted to result in protein truncation or nonsense mediated decay in a gene for which loss of function is a known mechanism of disease; Not observed at significant frequency in large population cohorts (gnomAD); This variant is associated with the following publications: (PMID: 22508176)

NM_001009944.3(PKD1):c.12239G>A (p.Trp4080Ter)

Gene: PKD1 (polycystin 1, transient receptor potential channel interacting; minus strand). Cytogenetic location: 16p13.3.
Variant type: single nucleotide variant.
Coding change: c.12239G>A on transcript NM_001009944.3 (MANE Select); coding-DNA position 12239, G replaced by A.
Protein change: p.Trp4080Ter; replaces tryptophan 4080 with a stop codon.
Molecular consequence: nonsense.
Genome position (GRCh38, 1-based): chr16:2,090,490, C>T on the plus strand (G>A on the coding strand, the complement: PKD1 is on the minus strand). VCF-style: chr16-2090490-C-T. GRCh37 (hg19) VCF-style: chr16-2140491-C-T.
Other names: c.12236G>A, p.Trp4079Ter (NM_000296.4); short protein forms W4079*, W4080*.
Identifiers: ClinVar variation 3390557 (VCV003390557.1).